The following is an entry in ClinVar:

NM_173660.5(DOK7):c.773-235C>A

Gene: DOK7 (docking protein 7; plus strand). Cytogenetic location: 4p16.3.
Variant type: single nucleotide variant.
Coding change: c.773-235C>A on transcript NM_173660.5 (MANE Select); 235 bases into the intron before coding-DNA position 773, C replaced by A.
Molecular consequence: intron variant.
Genome position (GRCh38, 1-based): chr4:3,492,524, C>A. VCF-style: chr4-3492524-C-A. GRCh37 (hg19) VCF-style: chr4-3494251-C-A.
Other names: c.773-235C>A (NM_001301071.2); c.341-235C>A (NM_001363811.2); c.762-235C>A (NM_001164673.2); c.-158-235C>A (NM_001256896.2).
Identifiers: ClinVar variation 679330 (VCV000679330.1), dbSNP rs6844878, ClinGen allele CA11714505.

ClinVar aggregate classification (germline): Benign (1 of 4 stars; one submission).

Allele frequency attached by ClinVar (database versions not stated): 1000 Genomes Project 0.20048; TOPMed 0.19372; 1000 Genomes Project 30x 0.19831.
gnomAD v4.1: 29,718 of 151,826 alleles (20%); highest among the groups gnomAD compares: South Asian, 31%; 3,128 homozygotes.

Submission:

GeneDx
Classification: Benign. Last evaluated: 2018-06-19. Review status: criteria provided, single submitter. Criteria: GeneDx Variant Classification (06012015). Collection method: clinical testing. Allele origin: germline. Affected: yes.
Comment: This variant is considered likely benign or benign based on one or more of the following criteria: it is a conservative change, it occurs at a poorly conserved position in the protein, it is predicted to be benign by multiple in silico algorithms, and/or has population frequency not consistent with disease.